The following is an entry in ClinVar:

ClinVar aggregate classification (germline): Likely pathogenic. Review status: criteria provided, single submitter (1 of 4 stars). 2 submissions from 2 submitters: Likely pathogenic (1). 1 of the submissions does not count toward it. Last evaluated 2025-02-05.

Conditions:
Retinal dystrophy. Also called: Inherited retinal dystrophy. Identifiers: Orphanet 71862, MedGen C0854723, MeSH D058499, MONDO:0019118, HP:0000556.
Retinitis pigmentosa 40 (RP40). Identifiers: Orphanet 791, MedGen C3151107, MONDO:0013429, OMIM 613801.

gnomAD v4.1: 2 of 1,612,258 alleles (0.00012%); highest among the groups gnomAD compares: South Asian, 0.0022%; no homozygotes.

Submissions (2):

SingHealth Duke-NUS Institute of Precision Medicine
Classification: Likely pathogenic for Retinitis pigmentosa 40. Last evaluated: 2025-02-05. Review status: criteria provided, single submitter. Criteria: PRISM ACMG Classification Criteria. Collection method: clinical testing. Allele origin: germline. Affected: yes.
Comment: Variant is truncating a gene where LOF is a known mechanism of disease (PVS1). Variant is not found in gnomAD genomes or exomes (PM2).

Institute of Human Genetics, Univ. Regensburg, Univ. Regensburg
Classification: Pathogenic for Retinal dystrophy. Last evaluated: 2012-01-01. Review status: no assertion criteria provided. Criteria: ACMG Guidelines, 2015. Collection method: clinical testing. Allele origin: germline. Affected: yes. Not counted in ClinVar's aggregate classification.

NM_000283.4(PDE6B):c.469-1G>A

Gene: PDE6B (phosphodiesterase 6B; plus strand). Cytogenetic location: 4p16.3.
Variant type: single nucleotide variant.
Coding change: c.469-1G>A on transcript NM_000283.4 (MANE Select); the canonical splice acceptor site of the intron before coding-DNA position 469, G replaced by A.
Molecular consequence: splice acceptor variant.
Genome position (GRCh38, 1-based): chr4:634,676, G>A. VCF-style: chr4-634676-G-A. GRCh37 (hg19) VCF-style: chr4-628465-G-A.
Other names: c.469-1G>A (NM_001145291.2, NM_000283.3).
Identifiers: ClinVar variation 3249216 (VCV003249216.2).